The following is an entry in ClinVar:

NM_017950.4(CCDC40):c.3G>A (p.Met1Ile)

Gene: CCDC40 (coiled-coil domain 40 molecular ruler complex subunit; plus strand). Cytogenetic location: 17q25.3.
Variant type: single nucleotide variant.
Coding change: c.3G>A on transcript NM_017950.4 (MANE Select); coding-DNA position 3, G replaced by A.
Protein change: p.Met1Ile; changes the start codon (methionine 1).
Molecular consequence: missense variant, initiator codon variant.
Genome position (GRCh38, 1-based): chr17:80,036,665, G>A. VCF-style: chr17-80036665-G-A. GRCh37 (hg19) VCF-style: chr17-78010464-G-A.
Other names: c.3G>A, p.Met1Ile (NM_001243342.2, NM_001330508.2); short protein forms M1I.
Identifiers: ClinVar variation 1526048 (VCV001526048.2), dbSNP rs2143550064, ClinGen allele CA401344315.
Genomic context (GRCh38, chr17:80,036,665, plus strand): 5'-CGCAGCGCGCGTGGTCCCGGCCCGGCCGGATGTTGACAGCGTCGCCTAGCAACGGGAAAT[G>A]GCGGAACCGGGCGGCGCGGCGGGCCGGTAAGCCGGGCCGAGGGGCAGCGGGTCTTGGAGT-3'
Protein context (NP_060420.2, residues 1-11): [Met1Ile]AEPGGAAGRS

ClinVar aggregate classification (germline): Uncertain significance (1 of 4 stars; one submission).

Conditions:
Primary ciliary dyskinesia 15. Also called: CILIARY DYSKINESIA, PRIMARY, 15, WITH OR WITHOUT SITUS INVERSUS. Identifiers: Orphanet 244, MedGen C3151137, MONDO:0013435, OMIM 613808.

Allele frequency attached by ClinVar (database versions not stated): gnomAD exomes below 0.00001.

Submission:

3billion
Classification: Uncertain significance for Primary ciliary dyskinesia 15. Last evaluated: 2022-03-22. Review status: criteria provided, single submitter. Criteria: ACMG Guidelines, 2015. Collection method: clinical testing. Allele origin: germline. Affected: yes. Observed: 1 homozygote.
Comment: Start-lost: reinitiation of translation may occur at a downstream alternate start codon but still result in a loss or disruption of normal protein function as there have been pathogenic variants reported upstream of the alterante start codon . It is not observed in the gnomAD v2.1.1 dataset. Therefore, this variant is classified as uncertain significance according to the recommendation of ACMG/AMP guideline.